The following is an entry in ClinVar:

NM_001966.4(EHHADH):c.1355C>G (p.Ser452Cys)

Gene: EHHADH (enoyl-CoA hydratase and 3-hydroxyacyl CoA dehydrogenase; minus strand). Cytogenetic location: 3q27.2.
Variant type: single nucleotide variant.
Coding change: c.1355C>G on transcript NM_001966.4 (MANE Select); coding-DNA position 1355, C replaced by G.
Protein change: p.Ser452Cys; replaces serine 452 with cysteine.
Molecular consequence: missense variant.
Genome position (GRCh38, 1-based): chr3:185,193,043, G>C on the plus strand (C>G on the coding strand, the complement: EHHADH is on the minus strand). VCF-style: chr3-185193043-G-C. GRCh37 (hg19) VCF-style: chr3-184910831-G-C.
Other names: c.1067C>G, p.Ser356Cys (NM_001166415.2); short protein forms S356C, S452C.
Identifiers: ClinVar variation 4882170 (VCV004882170.2).

ClinVar aggregate classification (germline): Uncertain significance (1 of 4 stars; one submission).

Submission:

Dasa
Classification: Uncertain significance. Last evaluated: 2025-07-21. Review status: criteria provided, single submitter. Criteria: DASA Assertion Criteria. Collection method: clinical testing. Allele origin: germline.
Comment: NM_001966.4(EHHADH):c.1355C>G (p.Ser452Cys) is a missense variant that results in the substitution of serine with cysteine. This variant is rare in population databases. The currently available literature and clinical evidence are not sufficient to establish a definitive association between this variant and the reported condition. Therefore, this variant is classified as a variant of uncertain significance.